The following is an entry in ClinVar:

NM_001161403.3(LIMS2):c.73G>A (p.Ala25Thr)

Gene: LIMS2 (LIM zinc finger domain containing 2; minus strand). Cytogenetic location: 2q14.3.
Variant type: single nucleotide variant.
Coding change: c.73G>A on transcript NM_001161403.3 (MANE Select); coding-DNA position 73, G replaced by A.
Protein change: p.Ala25Thr; replaces alanine 25 with threonine.
Molecular consequence: missense variant.
Genome position (GRCh38, 1-based): chr2:127,657,501, C>T on the plus strand (G>A on the coding strand, the complement: LIMS2 is on the minus strand). VCF-style: chr2-127657501-C-T. GRCh37 (hg19) VCF-style: chr2-128415075-C-T.
Other names: c.139G>A, p.Ala47Thr (NM_001136037.4); c.58G>A, p.Ala20Thr (NM_001161404.2); c.145G>A, p.Ala49Thr (NM_017980.5); short protein forms A20T, A49T, A47T, A25T.
Identifiers: ClinVar variation 576829 (VCV000576829.14), dbSNP rs201527546, ClinGen allele CA1863582.
Genomic context (GRCh38, chr2:127,657,501, plus strand): 5'-GGGCACACACGAAGCAGTGCTCATGGTACAGCTCCCCATTGCTGTTGACAATGCGCTCGG[C>T]GGGGGAGAAGCGGGCCTGGCAGCGCTGGCACACGGCGTTGGCCAAGGCGTCCGACATATT-3'
Protein context (NP_001154875.1, residues 15-35): CQRCQARFSP[Ala25Thr]ERIVNSNGEL

ClinVar aggregate classification (germline): Uncertain significance. Review status: criteria provided, multiple submitters, no conflicts (2 of 4 stars). 3 submissions from 3 submitters: Uncertain significance (3). Last evaluated 2025-12-18.

Conditions:
Autosomal recessive limb-girdle muscular dystrophy type 2W (MDRCMTT). Also called: Muscular dystrophy, autosomal recessive, with cardiomyopathy and triangular tongue; Muscular dystrophy, limb-girdle, type 2W. Identifiers: MedGen C4225192, MONDO:0014788, OMIM 616827.

Allele frequency attached by ClinVar (database versions not stated): ExAC 0.00008; TOPMed 0.00011; 1000 Genomes Project 30x 0.00031; 1000 Genomes Project 0.00040.
gnomAD v4.1: 119 of 1,613,096 alleles (0.0074%); highest among the groups gnomAD compares: Admixed American, 0.05%; no homozygotes.

Submissions (3):

Ambry Genetics
Classification: Uncertain significance. Last evaluated: 2025-12-18. Review status: criteria provided, single submitter. Criteria: Ambry Variant Classification Scheme 2023. Collection method: clinical testing. Allele origin: germline.

Labcorp Genetics (formerly Invitae), Labcorp
Classification: Uncertain significance for Autosomal recessive limb-girdle muscular dystrophy type 2W. Last evaluated: 2025-12-02. Review status: criteria provided, single submitter. Criteria: Invitae Variant Classification Sherloc (09022015). Collection method: clinical testing. Allele origin: germline.
Comment: This sequence change replaces alanine, which is neutral and non-polar, with threonine, which is neutral and polar, at codon 47 of the LIMS2 protein (p.Ala47Thr). This variant is present in population databases (rs201527546, gnomAD 0.009%). This variant has not been reported in the literature in individuals affected with LIMS2-related conditions. ClinVar contains an entry for this variant (Variation ID: 576829). An algorithm developed to predict the effect of missense changes on protein structure and function outputs the following: PolyPhen-2: "Benign". The threonine amino acid residue is found in multiple mammalian species, which suggests that this missense change does not adversely affect protein function. In summary, the available evidence is currently insufficient to determine the role of this variant in disease. Therefore, it has been classified as a Variant of Uncertain Significance.

Revvity Omics, Revvity
Classification: Uncertain significance for Autosomal recessive limb-girdle muscular dystrophy type 2W. Last evaluated: 2019-03-04. Review status: criteria provided, single submitter. Criteria: ACMG Guidelines, 2015. Collection method: clinical testing. Allele origin: germline.